The following is an entry in ClinVar:

ClinVar aggregate classification (germline): Uncertain significance (1 of 4 stars; one submission).

Allele frequency attached by ClinVar (database versions not stated): TOPMed below 0.00001; gnomAD 0.00001; gnomAD exomes 0.00001.
gnomAD v4.1: 4 of 1,614,122 alleles (0.00025%); highest among the groups gnomAD compares: Admixed American, 0.005%; no homozygotes.

Submission:

Ambry Genetics
Classification: Uncertain significance. Last evaluated: 2024-04-22. Review status: criteria provided, single submitter. Criteria: Ambry Variant Classification Scheme 2023. Collection method: clinical testing. Allele origin: germline.
Comment: The p.Q1917E variant (also known as c.5749C>G), located in coding exon 8 of the ALPK2 gene, results from a C to G substitution at nucleotide position 5749. The glutamine at codon 1917 is replaced by glutamic acid, an amino acid with highly similar properties. This amino acid position is conserved. In addition, this alteration is predicted to be tolerated by in silico analysis. Since supporting evidence is limited at this time, the clinical significance of this alteration remains unclear.

NM_052947.4(ALPK2):c.5749C>G (p.Gln1917Glu)

Gene: ALPK2 (alpha kinase 2; minus strand). Cytogenetic location: 18q21.31.
Variant type: single nucleotide variant.
Coding change: c.5749C>G on transcript NM_052947.4 (MANE Select); coding-DNA position 5749, C replaced by G.
Protein change: p.Gln1917Glu; replaces glutamine 1917 with glutamic acid.
Molecular consequence: missense variant.
Genome position (GRCh38, 1-based): chr18:58,517,099, G>C on the plus strand (C>G on the coding strand, the complement: ALPK2 is on the minus strand). VCF-style: chr18-58517099-G-C. GRCh37 (hg19) VCF-style: chr18-56184331-G-C.
Other names: short protein forms Q1917E.
Identifiers: ClinVar variation 1749418 (VCV001749418.3), dbSNP rs1568072088, ClinGen allele CA402548973.
Genomic context (GRCh38, chr18:58,517,099, plus strand): 5'-TGCTGCGGAAGGCTTTGCGGTGAACCCCTTCTCCAAAGTGCAGCTCCTCCGTGGCGATCT[G>C]ACCACGCAGGCGGCCCCCAAAGTAGCTGTCATGGAGGAAGTCTTCTTTGAAGATGAGTTG-3'
Protein context (NP_443179.3, residues 1907-1927): DSYFGGRLRG[Gln1917Glu]IATEELHFGE